The following is an entry in ClinVar:

NM_000836.4(GRIN2D):c.3710G>A (p.Arg1237Gln)

Gene: GRIN2D (glutamate ionotropic receptor NMDA type subunit 2D; plus strand). Cytogenetic location: 19q13.33.
Variant type: single nucleotide variant.
Coding change: c.3710G>A on transcript NM_000836.4 (MANE Select); coding-DNA position 3710, G replaced by A.
Protein change: p.Arg1237Gln; replaces arginine 1237 with glutamine.
Molecular consequence: missense variant.
Genome position (GRCh38, 1-based): chr19:48,443,636, G>A. VCF-style: chr19-48443636-G-A. GRCh37 (hg19) VCF-style: chr19-48946893-G-A.
Other names: short protein forms R1237Q.
Identifiers: ClinVar variation 986075 (VCV000986075.4), dbSNP rs1473583586, ClinGen allele CA406677712.

ClinVar aggregate classification (germline): Uncertain significance (1 of 4 stars; one submission).

Conditions:
Inborn genetic diseases. Identifiers: MedGen C0950123, MeSH D030342.

Allele frequency attached by ClinVar (database versions not stated): TOPMed below 0.00001; gnomAD 0.00001; gnomAD exomes 0.00001.
gnomAD v4.1: 2 of 1,083,354 alleles (0.00018%); highest among the groups gnomAD compares: Non-Finnish European, 0.00022%; no homozygotes.

Submission:

Ambry Genetics
Classification: Uncertain significance for Inborn genetic diseases. Last evaluated: 2020-08-20. Review status: criteria provided, single submitter. Criteria: Ambry Variant Classification Scheme 2023. Collection method: clinical testing. Allele origin: germline.
Comment: The alteration results in an amino acid change:_x000D_ _x000D_ The c.3710G>A (p.R1237Q) alteration is located in exon 13 (coding exon 12) of the GRIN2D gene. This alteration results from a G to A substitution at nucleotide position 3710, causing the arginine (R) at amino acid position 1237 to be replaced by a glutamine (Q). The alteration is not observed in population databases:_x000D_ _x000D_ Based on data from the Genome Aggregation Database (gnomAD), the GRIN2D c.3710G>A alteration was not observed, with coverage at this position. The altered amino acid is not conserved throughout evolution:_x000D_ _x000D_ The p.R1237 amino acid is not conserved in available vertebrate species. The alteration is predicted tolerated by in silico modeling:_x000D_ _x000D_ The p.R1237Q alteration is predicted to be tolerated by in silico analysis. Based on insufficient or conflicting evidence, the clinical significance of this alteration remains unclear.